The following is an entry in ClinVar:

ClinVar aggregate classification (germline): Likely pathogenic (1 of 4 stars; one submission).

Conditions:
Epilepsy, familial focal, with variable foci 1 (FFEVF1). Also called: DEPDC5-Related Epilepsy. Identifiers: MedGen C4551983, MONDO:0024556, OMIM 604364.

Submission:

HudsonAlpha Institute for Biotechnology
Classification: Likely pathogenic for Epilepsy, familial focal, with variable foci 1. Last evaluated: 2022-09-01. Review status: criteria provided, single submitter. Criteria: ACMG Guidelines, 2015. Collection method: research. Allele origin: paternal. Affected: yes. Observed: 1 variant allele. Study: CSER-HudsonAlpha.
Comment: ACMG codes:PVS1, PM2

NM_001242896.3(DEPDC5):c.1840A>T (p.Arg614Ter)

Gene: DEPDC5 (DEP domain containing 5, GATOR1 subcomplex subunit; plus strand). Cytogenetic location: 22q12.3.
Variant type: single nucleotide variant.
Coding change: c.1840A>T on transcript NM_001242896.3 (MANE Select); coding-DNA position 1840, A replaced by T.
Protein change: p.Arg614Ter; replaces arginine 614 with a stop codon.
Molecular consequence: nonsense. On other transcripts: non-coding transcript variant (5).
Genome position (GRCh38, 1-based): chr22:31,819,195, A>T. VCF-style: chr22-31819195-A-T. GRCh37 (hg19) VCF-style: chr22-32215181-A-T.
Other names: c.1840A>T, p.Arg614Ter (NM_001136029.4, NM_001242897.2, NM_001363852.2 and 6 more transcripts); c.1756A>T, p.Arg586Ter (NM_001369901.1, NM_001369902.1); short protein forms R586*, R614*.
Identifiers: ClinVar variation 1705025 (VCV001705025.1), dbSNP rs2519378722, ClinGen allele CA411281119.
Genomic context (GRCh38, chr22:31,819,195, plus strand): 5'-CAGAGAGCACTGATTAACCCCTTCGCTCCCTCTCGGATGCCCATGAAGCTTACGTCCAAC[A>T]GAAGGCGCTGGATGCACACTTTTCCTGTGGGTAAGTTGGTTGCTTAAGAGAGAGCCTTGG-3'